The following is an entry in ClinVar:

NM_001387777.1(TNS1):c.3798T>C (p.Ala1266=)

Gene: TNS1 (tensin 1; minus strand). Cytogenetic location: 2q35.
Variant type: single nucleotide variant.
Coding change: c.3798T>C on transcript NM_001387777.1 (MANE Select); coding-DNA position 3798, T replaced by C.
Protein change: p.Ala1266=; no amino-acid change (alanine 1266 retained).
Molecular consequence: synonymous variant.
Genome position (GRCh38, 1-based): chr2:217,818,534, A>G on the plus strand (T>C on the coding strand, the complement: TNS1 is on the minus strand). VCF-style: chr2-217818534-A-G. GRCh37 (hg19) VCF-style: chr2-218683257-A-G.
Other names: c.3447T>C, p.Ala1149= (NM_001308022.2); c.3423T>C, p.Ala1141= (NM_001308023.2); c.3486T>C, p.Ala1162= (NM_022648.7).
Identifiers: ClinVar variation 3059841 (VCV003059841.2), dbSNP rs2571442, ClinGen allele CA2099786.

ClinVar aggregate classification (germline): Benign (0 of 4 stars; one submission).

Conditions:
TNS1-related disorder. Also called: TNS1-related condition.

Allele frequency attached by ClinVar (database versions not stated): 1000 Genomes Project 0.40256; 1000 Genomes Project 30x 0.40740; gnomAD 0.42241; ESP Exome Variant Server 0.42934; TOPMed 0.43144.
gnomAD v4.1: 658,410 of 1,614,010 alleles (41%); highest among the groups gnomAD compares: Middle Eastern, 50%; 135,486 homozygotes.

Submission:

PreventionGenetics, part of Exact Sciences
Classification: Benign for TNS1-related condition. Last evaluated: 2022-03-30. Review status: no assertion criteria provided. Collection method: clinical testing. Allele origin: germline.
Comment: This variant is classified as benign based on ACMG/AMP sequence variant interpretation guidelines (Richards et al. 2015 PMID: 25741868, with internal and published modifications).